The following is an entry in ClinVar:

ClinVar aggregate classification (germline): Benign/Likely benign. Review status: criteria provided, multiple submitters, no conflicts (2 of 4 stars). 3 submissions from 2 submitters: Benign (2); Likely benign (1). Last evaluated 2020-01-23.

Conditions:
Charcot-Marie-Tooth disease, type I (CMT1). Also called: Charcot-Marie-Tooth, Type 1; Charcot-Marie-Tooth disease type 1. Identifiers: Orphanet 65753, MedGen C0751036, MONDO:0019011.
Hereditary liability to pressure palsies (HNPP). Also called: POLYNEUROPATHY, FAMILIAL RECURRENT; TOMACULOUS NEUROPATHY; Hereditary Neuropathy with Liability to Pressure Palsies. Identifiers: Orphanet 640, MedGen C0393814, MONDO:0008087, OMIM 162500.

Allele frequency attached by ClinVar (database versions not stated): gnomAD 0.00044 and 0.00056; TOPMed 0.00083; gnomAD exomes 0.00109 and 0.00164; 1000 Genomes Project 0.00260; 1000 Genomes Project 30x 0.00265; ExAC 0.00319.
gnomAD v4.1: 606 of 646,408 alleles (0.094%); highest among the groups gnomAD compares: East Asian, 1.5%; 4 homozygotes.

Submissions (3):

GeneDx
Classification: Likely benign. Last evaluated: 2020-01-23. Review status: criteria provided, single submitter. Criteria: GeneDx Variant Classification Process June 2021. Collection method: clinical testing. Allele origin: germline. Affected: yes.

Illumina Laboratory Services, Illumina
Classification: Benign for Hereditary liability to pressure palsies. Last evaluated: 2018-01-12. Review status: criteria provided, single submitter. Criteria: ICSL Variant Classification Criteria 13 December 2019. Collection method: clinical testing. Allele origin: germline.
Comment: This variant was observed in the ICSL laboratory as part of a predisposition screen in an ostensibly healthy population. It had not been previously curated by ICSL or reported in the Human Gene Mutation Database (HGMD: prior to June 1st, 2018), and was therefore a candidate for classification through an automated scoring system. Utilizing variant allele frequency, disease prevalence and penetrance estimates, and inheritance mode, an automated score was calculated to assess if this variant is too frequent to cause the disease. Based on the score and internal cut-off values, a variant classified as benign is not then subjected to further curation. The score for this variant resulted in a classification of benign for this disease.

Illumina Laboratory Services, Illumina
Classification: Benign for Charcot-Marie-Tooth disease, type I. Last evaluated: 2018-01-12. Review status: criteria provided, single submitter. Criteria: ICSL Variant Classification Criteria 13 December 2019. Collection method: clinical testing. Allele origin: germline.
Comment: the same text as in the submission from Illumina Laboratory Services, Illumina above.

NM_000304.4(PMP22):c.*173C>T

Gene: PMP22 (peripheral myelin protein 22; minus strand). Cytogenetic location: 17p12.
Variant type: single nucleotide variant.
Coding change: c.*173C>T on transcript NM_000304.4 (MANE Select); 173 bases downstream of the stop codon, C replaced by T.
Molecular consequence: 3 prime UTR variant. On other transcripts: non-coding transcript variant (2).
Genome position (GRCh38, 1-based): chr17:15,230,744, G>A on the plus strand (C>T on the coding strand, the complement: PMP22 is on the minus strand). VCF-style: chr17-15230744-G-A. GRCh37 (hg19) VCF-style: chr17-15134061-G-A.
Other names: c.*173C>T (NM_001281455.2, NM_001281456.2, NM_153321.3 and 1 more transcripts).
Identifiers: ClinVar variation 321857 (VCV000321857.8), dbSNP rs117277951, ClinGen allele CA8403261.
Genomic context (GRCh38, chr17:15,230,744, plus strand): 5'-AAAAGCAAACAATACTATGTACATATATGTAAAAAGTGTTATAAATAGGTTTTATAAACC[G>A]GAGATATTATATACATCTTCAATCAACAGCAACCCCCACCTCCACTGCTTTCTGTTTGGT-3'